The following is an entry in ClinVar:

ClinVar aggregate classification (germline): Pathogenic (1 of 4 stars; one submission).

Conditions:
Neurofibromatosis, type 2 (SWNV). Also called: BILATERAL ACOUSTIC NEUROFIBROMATOSIS; NF2-Related Schwannomatosis; SCHWANNOMATOSIS, VESTIBULAR. Identifiers: Orphanet 637, MedGen C0027832, MONDO:0007039, OMIM 101000. Disease mechanism: loss of function.

Submission:

Labcorp Genetics (formerly Invitae), Labcorp
Classification: Pathogenic for Neurofibromatosis, type 2. Last evaluated: 2023-09-11. Review status: criteria provided, single submitter. Criteria: Invitae Variant Classification Sherloc (09022015). Collection method: clinical testing. Allele origin: germline.
Comment: This variant is a gross deletion of the genomic region encompassing exon(s) 5 of the NF2 gene. This variant would be expected to be in-frame, preserving the integrity of the reading frame. A similar copy number variant has been observed in individuals with neurofibromatosis type 2 (PMID: 19968670; Invitae). It has also been observed to segregate with disease in related individuals. For these reasons, this variant has been classified as Pathogenic.

Literature cited by the submitters: PubMed 19968670.

NC_000022.10:g.(?_30050636)_(30050946_?)del

Gene: NF2 (NF2, moesin-ezrin-radixin like (MERLIN) tumor suppressor; plus strand). Cytogenetic location: 22q12.2.
Variant type: Deletion.
Identifiers: ClinVar variation 1041202 (VCV001041202.12).